The following is an entry in ClinVar:

ClinVar aggregate classification (germline): Uncertain significance (1 of 4 stars; one submission).

gnomAD v4.1: 39 of 1,613,952 alleles (0.0024%); highest among the groups gnomAD compares: South Asian, 0.0088%; no homozygotes.

Submission:

GeneDx
Classification: Uncertain significance. Last evaluated: 2025-04-09. Review status: criteria provided, single submitter. Criteria: GeneDx Variant Classification Process June 2021. Collection method: clinical testing. Allele origin: germline. Affected: yes.
Comment: Has not been previously published as pathogenic or benign to our knowledge; In silico analysis supports that this missense variant has a deleterious effect on protein structure/function

NM_004214.5(FIBP):c.532T>G (p.Phe178Val)

Gene: FIBP (FGF1 intracellular binding protein; minus strand). Cytogenetic location: 11q13.1.
Variant type: single nucleotide variant.
Coding change: c.532T>G on transcript NM_004214.5 (MANE Select); coding-DNA position 532, T replaced by G.
Protein change: p.Phe178Val; replaces phenylalanine 178 with valine.
Molecular consequence: missense variant.
Genome position (GRCh38, 1-based): chr11:65,885,644, A>C on the plus strand (T>G on the coding strand, the complement: FIBP is on the minus strand). VCF-style: chr11-65885644-A-C. GRCh37 (hg19) VCF-style: chr11-65653115-A-C.
Other names: c.532T>G, p.Phe178Val (NM_198897.2); short protein forms F178V.
Identifiers: ClinVar variation 4282398 (VCV004282398.1).
Genomic context (GRCh38, chr11:65,885,644, plus strand): 5'-CACCGAAGCTCAGATACTGCAGTTTTTTCTTCCCTGTCTCAAAGCGGTTGTTAGCAAAGA[A>C]GACGATGGCTGCATAGTCCCTGCACAGACGAGAGGAGGGTCCTCTTAGGGCTTGAAATTC-3'
Protein context (NP_004205.2, residues 168-188): RLARDYAAIV[Phe178Val]FANNRFETGK